The following is an entry in ClinVar:

ClinVar aggregate classification (germline): Uncertain significance (1 of 4 stars; one submission).

Conditions:
Hereditary motor and sensory neuropathy, Okinawa type (HMSNO). Also called: HEREDITARY MOTOR AND SENSORY NEUROPATHY, PROXIMAL TYPE. Identifiers: Orphanet 90117, MedGen C1858338, MONDO:0011468, OMIM 604484.
Hereditary spastic paraplegia 57. Also called: Spastic paraplegia 57, autosomal recessive. Identifiers: Orphanet 431329, MedGen C3714897, MONDO:0014295, OMIM 615658.

gnomAD v4.1: 3 of 1,613,470 alleles (0.00019%); highest among the groups gnomAD compares: African/African-American, 0.004%; no homozygotes.

Submission:

Labcorp Genetics (formerly Invitae), Labcorp
Classification: Uncertain significance for Hereditary motor and sensory neuropathy, Okinawa type; Hereditary spastic paraplegia 57. Last evaluated: 2024-05-29. Review status: criteria provided, single submitter. Criteria: Invitae Variant Classification Sherloc (09022015). Collection method: clinical testing. Allele origin: germline.
Comment: This sequence change replaces glycine, which is neutral and non-polar, with aspartic acid, which is acidic and polar, at codon 254 of the TFG protein (p.Gly254Asp). This variant is present in population databases (no rsID available, gnomAD 0.02%). This variant has not been reported in the literature in individuals affected with TFG-related conditions. Advanced modeling of protein sequence and biophysical properties (such as structural, functional, and spatial information, amino acid conservation, physicochemical variation, residue mobility, and thermodynamic stability) performed at Invitae indicates that this missense variant is not expected to disrupt TFG protein function with a negative predictive value of 80%. In summary, the available evidence is currently insufficient to determine the role of this variant in disease. Therefore, it has been classified as a Variant of Uncertain Significance.

NM_006070.6(TFG):c.761G>A (p.Gly254Asp)

Gene: TFG (trafficking from ER to golgi regulator; plus strand). Cytogenetic location: 3q12.2.
Variant type: single nucleotide variant.
Coding change: c.761G>A on transcript NM_006070.6 (MANE Select); coding-DNA position 761, G replaced by A.
Protein change: p.Gly254Asp; replaces glycine 254 with aspartic acid.
Molecular consequence: missense variant.
Genome position (GRCh38, 1-based): chr3:100,744,872, G>A. VCF-style: chr3-100744872-G-A. GRCh37 (hg19) VCF-style: chr3-100463716-G-A.
Other names: c.761G>A, p.Gly254Asp (NM_001007565.2, NM_001195478.2); c.749G>A, p.Gly250Asp (NM_001195479.2); short protein forms G250D, G254D.
Identifiers: ClinVar variation 3762193 (VCV003762193.2).